The following is an entry in ClinVar:

ClinVar aggregate classification (germline): Likely benign (1 of 4 stars; one submission).

Allele frequency attached by ClinVar (database versions not stated): gnomAD 0.00001; ExAC 0.00003; ESP Exome Variant Server 0.00017.
gnomAD v4.1: 14 of 1,562,572 alleles (0.0009%); highest among the groups gnomAD compares: Middle Eastern, 0.033%; no homozygotes.

Submission:

CeGaT Center for Human Genetics Tuebingen
Classification: Likely benign. Last evaluated: 2022-09-01. Review status: criteria provided, single submitter. Criteria: CeGaT Center For Human Genetics Tuebingen Variant Classification Criteria Version 2. Collection method: clinical testing. Allele origin: germline. Affected: yes. Observed: 1 variant allele.
Comment: TNRC6B: BP4, BP7

NM_001162501.2(TNRC6B):c.3237A>G (p.Pro1079=)

Gene: TNRC6B (trinucleotide repeat containing adaptor 6B; plus strand). Cytogenetic location: 22q13.1.
Variant type: single nucleotide variant.
Coding change: c.3237A>G on transcript NM_001162501.2 (MANE Select); coding-DNA position 3237, A replaced by G.
Protein change: p.Pro1079=; no amino-acid change (proline 1079 retained).
Molecular consequence: synonymous variant.
Genome position (GRCh38, 1-based): chr22:40,278,019, A>G. VCF-style: chr22-40278019-A-G. GRCh37 (hg19) VCF-style: chr22-40674023-A-G.
Other names: c.996A>G, p.Pro332= (NM_001024843.2); c.3078A>G, p.Pro1026= (NM_015088.3).
Identifiers: ClinVar variation 2653182 (VCV002653182.24), dbSNP rs371203489, ClinGen allele CA10247017.